The following is an entry in ClinVar:

NM_006306.4(SMC1A):c.607A>G (p.Lys203Glu)

Gene: SMC1A (structural maintenance of chromosomes 1A; minus strand). Cytogenetic location: Xp11.22.
Variant type: single nucleotide variant.
Coding change: c.607A>G on transcript NM_006306.4 (MANE Select); coding-DNA position 607, A replaced by G.
Protein change: p.Lys203Glu; replaces lysine 203 with glutamic acid.
Molecular consequence: missense variant.
Genome position (GRCh38, 1-based): chrX:53,413,240, T>C on the plus strand (A>G on the coding strand, the complement: SMC1A is on the minus strand). VCF-style: chrX-53413240-T-C. GRCh37 (hg19) VCF-style: chrX-53440190-T-C.
Other names: c.541A>G, p.Lys181Glu (NM_001281463.1); short protein forms K181E, K203E.
Identifiers: ClinVar variation 3392609 (VCV003392609.1).

ClinVar aggregate classification (germline): Pathogenic (1 of 4 stars; one submission).

Submission:

GeneDx
Classification: Pathogenic. Last evaluated: 2024-06-27. Review status: criteria provided, single submitter. Criteria: GeneDx Variant Classification Process June 2021. Collection method: clinical testing. Allele origin: germline. Affected: yes.
Comment: Not observed at significant frequency in large population cohorts (gnomAD); In silico analysis supports that this missense variant has a deleterious effect on protein structure/function; Missense variants in this gene are a common cause of disease and they are underrepresented in the general population; This variant is associated with the following publications: (PMID: 31905481, 35571021, 36584992)